The following is an entry in ClinVar:

NM_001042492.3(NF1):c.5115G>T (p.Arg1705Ser)

Gene: NF1 (neurofibromin 1; plus strand). Cytogenetic location: 17q11.2.
Variant type: single nucleotide variant.
Coding change: c.5115G>T on transcript NM_001042492.3 (MANE Select); coding-DNA position 5115, G replaced by T.
Protein change: p.Arg1705Ser; replaces arginine 1705 with serine.
Molecular consequence: missense variant.
Genome position (GRCh38, 1-based): chr17:31,326,099, G>T. VCF-style: chr17-31326099-G-T. GRCh37 (hg19) VCF-style: chr17-29653117-G-T.
Other names: c.5052G>T, p.Arg1684Ser (NM_000267.4); short protein forms R1705S, R1684S.
Identifiers: ClinVar variation 2006322 (VCV002006322.4), dbSNP rs749669269, ClinGen allele CA399007673.

ClinVar aggregate classification (germline): Uncertain significance (1 of 4 stars; one submission).

Conditions:
Neurofibromatosis, type 1 (NF1). Also called: Neurofibromatosis, type I; Peripheral type neurofibromatosis; VON RECKLINGHAUSEN DISEASE; NEUROFIBROMATOSIS, TYPE I, SOMATIC. Identifiers: Orphanet 636, MedGen C0027831, MONDO:0018975, OMIM 162200. Disease mechanism: loss of function.

Submission:

Labcorp Genetics (formerly Invitae), Labcorp
Classification: Uncertain significance for Neurofibromatosis, type 1. Last evaluated: 2022-06-14. Review status: criteria provided, single submitter. Criteria: Invitae Variant Classification Sherloc (09022015). Collection method: clinical testing. Allele origin: germline.
Comment: This variant has not been reported in the literature in individuals affected with NF1-related conditions. This variant is not present in population databases (gnomAD no frequency). This sequence change replaces arginine, which is basic and polar, with serine, which is neutral and polar, at codon 1684 of the NF1 protein (p.Arg1684Ser). Algorithms developed to predict the effect of missense changes on protein structure and function (SIFT, PolyPhen-2, Align-GVGD) all suggest that this variant is likely to be tolerated. In summary, the available evidence is currently insufficient to determine the role of this variant in disease. Therefore, it has been classified as a Variant of Uncertain Significance.